The following is an entry in ClinVar:

NM_032590.5(KDM2B):c.500G>A (p.Arg167Gln)

Gene: KDM2B (lysine demethylase 2B; minus strand). Cytogenetic location: 12q24.31.
Variant type: single nucleotide variant.
Coding change: c.500G>A on transcript NM_032590.5 (MANE Select); coding-DNA position 500, G replaced by A.
Protein change: p.Arg167Gln; replaces arginine 167 with glutamine.
Molecular consequence: missense variant.
Genome position (GRCh38, 1-based): chr12:121,549,536, C>T on the plus strand (G>A on the coding strand, the complement: KDM2B is on the minus strand). VCF-style: chr12-121549536-C-T. GRCh37 (hg19) VCF-style: chr12-121987441-C-T.
Other names: c.407G>A, p.Arg136Gln (NM_001005366.2); short protein forms R136Q, R167Q.
Identifiers: ClinVar variation 2631460 (VCV002631460.2), dbSNP rs2502086109, ClinGen allele CA386979066.

ClinVar aggregate classification (germline): Likely pathogenic (0 of 4 stars; one submission).

Conditions:
KDM2B-related disorder. Also called: KDM2B-related condition.

Allele frequency attached by ClinVar (database versions not stated): gnomAD exomes below 0.00001.
gnomAD v4.1: 1 of 1,613,672 alleles (0.000062%); highest among the groups gnomAD compares: Non-Finnish European, 0.000085%; no homozygotes.

Submission:

PreventionGenetics, part of Exact Sciences
Classification: Likely pathogenic for KDM2B-related condition. Last evaluated: 2024-04-08. Review status: no assertion criteria provided. Collection method: clinical testing. Allele origin: germline.
Comment: The KDM2B c.500G>A variant is predicted to result in the amino acid substitution p.Arg167Gln. To our knowledge, this variant has not been reported in the literature or in a large population database, indicating this variant is rare. This variant is interpreted as likely pathogenic.